The following is an entry in ClinVar:

ClinVar aggregate classification (germline): Pathogenic/Likely pathogenic. Review status: criteria provided, multiple submitters, no conflicts (2 of 4 stars). 3 submissions from 3 submitters: Pathogenic (2); Likely pathogenic (1). Last evaluated 2026-01-05.

Conditions:
Deficiency of steroid 17-alpha-monooxygenase. Also called: 17-ALPHA-HYDROXYLASE DEFICIENCY; 17-alpha-hydroxylase/17,20-lyase deficiency; Congenital adrenal hyperplasia due to 17-alpha-hydroxylase deficiency; Congenital adrenal hyperplasia type 5; ADRENAL HYPERPLASIA V. Identifiers: Orphanet 90793, MedGen C0268285, MONDO:0008730, OMIM 202110.
Congenital adrenal hyperplasia. Identifiers: Orphanet 418, MedGen C0001627, MONDO:0018479, HP:0008258.

Allele frequency attached by ClinVar (database versions not stated): gnomAD 0.00001; gnomAD exomes 0.00001; ExAC 0.00002; TOPMed 0.00002.
gnomAD v4.1: 13 of 1,607,898 alleles (0.00081%); highest among the groups gnomAD compares: Admixed American, 0.005%; no homozygotes.

Submissions (3):

Women's Health and Genetics/Laboratory Corporation of America, LabCorp
Classification: Pathogenic for Congenital adrenal hyperplasia. Last evaluated: 2026-01-05. Review status: criteria provided, single submitter. Criteria: LabCorp Variant Classification Summary - May 2015. Collection method: clinical testing. Allele origin: germline.
Comment: Variant summary: CYP17A1 c.995T>C (p.Ile332Thr) results in a non-conservative amino acid change in the encoded protein sequence. Algorithms developed to predict the effect of missense changes on protein structure and function all suggest that this variant is likely to be disruptive. The variant allele was found at a frequency of 1.6e-05 in 251454 control chromosomes. c.995T>C has been observed in individual(s) affected with 17-alphahydroxylase/17,20-lyase deficiency (17OHD) and/or partial 17, 20-lyase deficiency (17-OHD) (examples: Jiang_2022, Rosa_2010). These data indicate that the variant may be associated with disease. At least one publication reports experimental evidence evaluating an impact on protein function. The most pronounced variant effect results in 10%-<30% of normal activity (Xu_2022, Rosa_2010). The following publications have been ascertained in the context of this evaluation (PMID: 36187111, 20197673, 35043964). ClinVar contains an entry for this variant (Variation ID: 2681098). Based on the evidence outlined above, the variant was classified as pathogenic.

Natera, Inc.
Classification: Likely pathogenic for Deficiency of steroid 17-alpha-monooxygenase. Last evaluated: 2024-11-29. Review status: criteria provided, single submitter. Criteria: Natera Variant Classification Schema (03/2026). Collection method: clinical testing. Allele origin: germline.
Comment: The c.995T>C variant in CYP17A1 is a missense variant predicted to cause substitution of isoleucine to threonine at amino acid 332. This variant is rare in the general population with a frequency below the threshold expected for the associated phenotype(s). This variant has been observed in one or more individuals affected with the associated recessive disease, as either homozygous or compound heterozygous with a second variant (PMID: 35043964). Additionally, this variant has been observed to segregate in affected family members (PMID: 35043964). Functional studies show that this variant may disrupt protein function (PMID: 20197673, 35043964). Computational prediction algorithms indicate this variant is likely to affect gene or protein function. Given the available evidence, this variant is classified as Likely Pathogenic.

Labcorp Genetics (formerly Invitae), Labcorp
Classification: Pathogenic. Last evaluated: 2024-03-11. Review status: criteria provided, single submitter. Criteria: Invitae Variant Classification Sherloc (09022015). Collection method: clinical testing. Allele origin: germline.
Comment: This sequence change replaces isoleucine, which is neutral and non-polar, with threonine, which is neutral and polar, at codon 332 of the CYP17A1 protein (p.Ile332Thr). This variant is present in population databases (rs772804570, gnomAD 0.006%). This missense change has been observed in individual(s) with combined 17-alphahydroxylase/17,20-lyase deficiency (17OHD) and/or partial 17, 20-lyase deficiency (17-OHD) (PMID: 20197673, 36187111). In at least one individual the data is consistent with being in trans (on the opposite chromosome) from a pathogenic variant. Advanced modeling of protein sequence and biophysical properties (such as structural, functional, and spatial information, amino acid conservation, physicochemical variation, residue mobility, and thermodynamic stability) performed at Invitae indicates that this missense variant is expected to disrupt CYP17A1 protein function with a positive predictive value of 95%. Experimental studies have shown that this missense change affects CYP17A1 function (PMID: 20197673, 35043964). For these reasons, this variant has been classified as Pathogenic.

Literature cited by the submitters: PubMed 20197673 (cited by 3 submitters); PubMed 35043964 (cited by 3 submitters); PubMed 36187111 (cited by Women's Health and Genetics/Laboratory Corporation of America, LabCorp and Labcorp Genetics (formerly Invitae), Labcorp).

NM_000102.4(CYP17A1):c.995T>C (p.Ile332Thr)

Gene: CYP17A1 (cytochrome P450 family 17 subfamily A member 1; minus strand). Cytogenetic location: 10q24.32.
Variant type: single nucleotide variant.
Coding change: c.995T>C on transcript NM_000102.4 (MANE Select); coding-DNA position 995, T replaced by C.
Protein change: p.Ile332Thr; replaces isoleucine 332 with threonine.
Molecular consequence: missense variant.
Genome position (GRCh38, 1-based): chr10:102,832,655, A>G on the plus strand (T>C on the coding strand, the complement: CYP17A1 is on the minus strand). VCF-style: chr10-102832655-A-G. GRCh37 (hg19) VCF-style: chr10-104592412-A-G.
Other names: c.995T>C (NM_000102.3); short protein forms I332T.
Identifiers: ClinVar variation 2681098 (VCV002681098.7), dbSNP rs772804570, ClinGen allele CA5669417.